The following is an entry in ClinVar:

ClinVar aggregate classification (germline): Uncertain significance (1 of 4 stars; one submission).

Allele frequency attached by ClinVar (database versions not stated): gnomAD exomes 0.00007; ExAC 0.00008; gnomAD 0.00017 and 0.00019; TOPMed 0.00018; ESP Exome Variant Server 0.00023.
gnomAD v4.1: 243 of 1,613,782 alleles (0.015%); highest among the groups gnomAD compares: African/African-American, 0.021%; no homozygotes.

Submission:

Labcorp Genetics (formerly Invitae), Labcorp
Classification: Uncertain significance. Last evaluated: 2025-01-20. Review status: criteria provided, single submitter. Criteria: Invitae Variant Classification Sherloc (09022015). Collection method: clinical testing. Allele origin: germline.
Comment: This sequence change replaces valine, which is neutral and non-polar, with methionine, which is neutral and non-polar, at codon 1072 of the MCM3AP protein (p.Val1072Met). This variant is present in population databases (rs151234322, gnomAD 0.02%). This variant has not been reported in the literature in individuals affected with MCM3AP-related conditions. ClinVar contains an entry for this variant (Variation ID: 1398241). An algorithm developed to predict the effect of missense changes on protein structure and function (PolyPhen-2) suggests that this variant¬†is likely to be tolerated. In summary, the available evidence is currently insufficient to determine the role of this variant in disease. Therefore, it has been classified as a Variant of Uncertain Significance.

NM_003906.5(MCM3AP):c.3214G>A (p.Val1072Met)

Gene: MCM3AP (minichromosome maintenance complex component 3 associated protein; minus strand). Cytogenetic location: 21q22.3.
Variant type: single nucleotide variant.
Coding change: c.3214G>A on transcript NM_003906.5 (MANE Select); coding-DNA position 3214, G replaced by A.
Protein change: p.Val1072Met; replaces valine 1072 with methionine.
Molecular consequence: missense variant.
Genome position (GRCh38, 1-based): chr21:46,265,341, C>T on the plus strand (G>A on the coding strand, the complement: MCM3AP is on the minus strand). VCF-style: chr21-46265341-C-T. GRCh37 (hg19) VCF-style: chr21-47685255-C-T.
Other names: short protein forms V1072M.
Identifiers: ClinVar variation 1398241 (VCV001398241.4), dbSNP rs151234322, ClinGen allele CA10076592.
Genomic context (GRCh38, chr21:46,265,341, plus strand): 5'-GGCTTCCCAGAGTCCAGACCTAGAAAAAAAGAGTCCCTACCTCGTCAGAGTACATGGGCA[C>T]GGGCTCTGGAGGCGGTGGTTCAGGCTGCACAGACAGCTGGAAGAGGCTGGGCGCCACAGA-3'
Protein context (NP_003897.2, residues 1062-1082): VQPEPPPPEP[Val1072Met]PMYSDEDLAQ